The following is an entry in ClinVar:

NM_000310.4(PPT1):c.1A>C (p.Met1Leu)

Gene: PPT1 (palmitoyl-protein thioesterase 1; minus strand). Cytogenetic location: 1p34.2.
Variant type: single nucleotide variant.
Coding change: c.1A>C on transcript NM_000310.4 (MANE Select); coding-DNA position 1, A replaced by C.
Protein change: p.Met1Leu; changes the start codon (methionine 1).
Molecular consequence: missense variant, initiator codon variant.
Genome position (GRCh38, 1-based): chr1:40,097,238, T>G on the plus strand (A>C on the coding strand, the complement: PPT1 is on the minus strand). VCF-style: chr1-40097238-T-G. GRCh37 (hg19) VCF-style: chr1-40562910-T-G.
Other names: c.1A>C, p.Met1Leu (NM_001142604.2, NM_001363695.2); short protein forms M1L.
Identifiers: ClinVar variation 2035352 (VCV002035352.6), dbSNP rs1085307087, ClinGen allele CA339850882.
Genomic context (GRCh38, chr1:40,097,238, plus strand): 5'-AAGCGCAGGTCCATGGCAGGAGAGCCACAGCCAAGAGCCACAGGCAGCCGGGCGACGCCA[T>G]CTTCGCTGTGTCACATGACCGCGGGCGCGAGACTCCGGGAACCGCGCTCCGCCCGCCTGG-3'
Protein context (NP_000301.1, residues 1-11): [Met1Leu]ASPGCLWLLA

ClinVar aggregate classification (germline): Pathogenic. Review status: criteria provided, multiple submitters, no conflicts (2 of 4 stars). 2 submissions from 2 submitters: Pathogenic (2). Last evaluated 2024-04-23.

Conditions:
Neuronal ceroid lipofuscinosis 1 (CLN1). Also called: CEROID LIPOFUSCINOSIS, NEURONAL, 1, VARIABLE AGE AT ONSET; PPT1-Related Neuronal Ceroid-Lipofuscinosis. Identifiers: Orphanet 228329, MedGen C1850451, MONDO:0009744, OMIM 256730.

Submissions (2):

Fulgent Genetics
Classification: Pathogenic for Neuronal ceroid lipofuscinosis 1. Last evaluated: 2024-04-23. Review status: criteria provided, single submitter. Criteria: ACMG Guidelines, 2015. Collection method: clinical testing. Allele origin: germline.

Labcorp Genetics (formerly Invitae), Labcorp
Classification: Pathogenic for Neuronal ceroid lipofuscinosis 1. Last evaluated: 2022-10-13. Review status: criteria provided, single submitter. Criteria: Invitae Variant Classification Sherloc (09022015). Collection method: clinical testing. Allele origin: germline.
Comment: For these reasons, this variant has been classified as Pathogenic. Studies have shown that disruption of the initiator codon alters PPT1 gene expression (PMID: 11440996). Disruption of the initiator codon has been observed in individual(s) with neuronal ceroid lipofuscinosis (PMID: 11440996). This variant is not present in population databases (gnomAD no frequency). This sequence change affects the initiator methionine of the PPT1 mRNA. The next in-frame methionine is located at codon 41.

Literature cited by the submitters: PubMed 11440996 (cited by Labcorp Genetics (formerly Invitae), Labcorp).